The following is an entry in ClinVar:

ClinVar aggregate classification (germline): Uncertain significance (1 of 4 stars; one submission).

Submission:

Labcorp Genetics (formerly Invitae), Labcorp
Classification: Uncertain significance. Last evaluated: 2024-01-31. Review status: criteria provided, single submitter. Criteria: Invitae Variant Classification Sherloc (09022015). Collection method: clinical testing. Allele origin: germline.
Comment: This sequence change replaces lysine, which is basic and polar, with threonine, which is neutral and polar, at codon 319 of the PRDM13 protein (p.Lys319Thr). This variant is not present in population databases (gnomAD no frequency). This variant has not been reported in the literature in individuals affected with PRDM13-related conditions. An algorithm developed to predict the effect of missense changes on protein structure and function (PolyPhen-2) suggests that this variant is likely to be disruptive. In summary, the available evidence is currently insufficient to determine the role of this variant in disease. Therefore, it has been classified as a Variant of Uncertain Significance.

NM_021620.4(PRDM13):c.956A>C (p.Lys319Thr)

Genes: PRDM13 (PR/SET domain 13; plus strand), LOC129996881 (ATAC-STARR-seq lymphoblastoid silent region 17422; plus strand). Cytogenetic location: 6q16.2.
Variant type: single nucleotide variant.
Coding change: c.956A>C on transcript NM_021620.4 (MANE Select); coding-DNA position 956, A replaced by C.
Protein change: p.Lys319Thr; replaces lysine 319 with threonine.
Molecular consequence: missense variant.
Genome position (GRCh38, 1-based): chr6:99,613,591, A>C. VCF-style: chr6-99613591-A-C. GRCh37 (hg19) VCF-style: chr6-100061467-A-C.
Other names: short protein forms K319T.
Identifiers: ClinVar variation 2786462 (VCV002786462.3), dbSNP rs2538545662, ClinGen allele CA365117235.